The following is an entry in ClinVar:

NM_001845.6(COL4A1):c.4977C>T (p.Val1659=)

Gene: COL4A1 (collagen type IV alpha 1 chain; minus strand). Cytogenetic location: 13q34.
Variant type: single nucleotide variant.
Coding change: c.4977C>T on transcript NM_001845.6 (MANE Select); coding-DNA position 4977, C replaced by T.
Protein change: p.Val1659=; no amino-acid change (valine 1659 retained).
Molecular consequence: synonymous variant.
Genome position (GRCh38, 1-based): chr13:110,150,396, G>A on the plus strand (C>T on the coding strand, the complement: COL4A1 is on the minus strand). VCF-style: chr13-110150396-G-A. GRCh37 (hg19) VCF-style: chr13-110802743-G-A.
Identifiers: ClinVar variation 4749711 (VCV004749711.1).
Genomic context (GRCh38, chr13:110,150,396, plus strand): 5'-TTGTGACATTAGCTGAGTCAGGCTTCATTATGTTCTTCTCATACAGACTTGGCAGCGGCT[G>A]ACGTGCGTGCGCAGCTCCCCTGCCTTCAAGGTGGACGGCGTAGGCTTCCTAAAACACGAC-3'
Protein context (NP_001836.3, residues 1649-1669): TLKAGELRTH[Val1659=]SRCQVCMRRT

ClinVar aggregate classification (germline): Uncertain significance (1 of 4 stars; one submission).

gnomAD v4.1: 2 of 1,614,018 alleles (0.00012%); highest among the groups gnomAD compares: Non-Finnish European, 0.00017%; no homozygotes.

Submission:

Labcorp Genetics (formerly Invitae), Labcorp
Classification: Uncertain significance. Last evaluated: 2025-08-09. Review status: criteria provided, single submitter. Criteria: Invitae Variant Classification Sherloc (09022015). Collection method: clinical testing. Allele origin: germline.
Comment: This sequence change affects codon 1659 of the COL4A1 mRNA. It is a 'silent' change, meaning that it does not change the encoded amino acid sequence of the COL4A1 protein. This variant is present in population databases (no rsID available, gnomAD 0.002%). This variant has not been reported in the literature in individuals affected with COL4A1-related conditions. Algorithms developed to predict the effect of sequence changes on RNA splicing suggest that this variant may disrupt the consensus splice site. In summary, the available evidence is currently insufficient to determine the role of this variant in disease. Therefore, it has been classified as a Variant of Uncertain Significance.